The following is an entry in ClinVar:

ClinVar aggregate classification (germline): Uncertain significance (1 of 4 stars; one submission).

Conditions:
Familial hemophagocytic lymphohistiocytosis 3 (FHL3). Also called: UNC13D-Related Familial Hemophagocytic Lymphohistiocytosis (UNC13D-fHLH). Identifiers: Orphanet 540, MedGen C1837174, MONDO:0012146, OMIM 608898.

Submission:

Labcorp Genetics (formerly Invitae), Labcorp
Classification: Uncertain significance for Familial hemophagocytic lymphohistiocytosis 3. Last evaluated: 2022-03-17. Review status: criteria provided, single submitter. Criteria: Invitae Variant Classification Sherloc (09022015). Collection method: clinical testing. Allele origin: germline.
Comment: This variant has not been reported in the literature in individuals affected with UNC13D-related conditions. This sequence change replaces leucine, which is neutral and non-polar, with methionine, which is neutral and non-polar, at codon 818 of the UNC13D protein (p.Leu818Met). This variant is not present in population databases (gnomAD no frequency). Algorithms developed to predict the effect of missense changes on protein structure and function are either unavailable or do not agree on the potential impact of this missense change (SIFT: "Not Available"; PolyPhen-2: "Probably Damaging"; Align-GVGD: "Not Available"). In summary, the available evidence is currently insufficient to determine the role of this variant in disease. Therefore, it has been classified as a Variant of Uncertain Significance.

NM_199242.3(UNC13D):c.2452C>A (p.Leu818Met)

Gene: UNC13D (unc-13 homolog D; minus strand). Cytogenetic location: 17q25.1.
Variant type: single nucleotide variant.
Coding change: c.2452C>A on transcript NM_199242.3 (MANE Select); coding-DNA position 2452, C replaced by A.
Protein change: p.Leu818Met; replaces leucine 818 with methionine.
Molecular consequence: missense variant.
Genome position (GRCh38, 1-based): chr17:75,831,344, G>T on the plus strand (C>A on the coding strand, the complement: UNC13D is on the minus strand). VCF-style: chr17-75831344-G-T. GRCh37 (hg19) VCF-style: chr17-73827425-G-T.
Other names: short protein forms L818M.
Identifiers: ClinVar variation 1370703 (VCV001370703.8), dbSNP rs2143867670, ClinGen allele CA401083043.
Genomic context (GRCh38, chr17:75,831,344, plus strand): 5'-TGCGCTGGGAGGCGGCCGCCTCCACCAGCACTGTGAGTGTGTGGGTCCAGAGCAGGGTCA[G>T]GAGGCTGGGGCGGGGCCGGAGGGATGCGGACACAGCACGGCAGGGCGGTGGCGGAGGAGG-3'
Protein context (NP_954712.1, residues 808-828): NLVQENFSSL[Leu818Met]TLLWTHTLTV